The following is an entry in ClinVar:

NM_007294.4(BRCA1):c.5324T>C (p.Met1775Thr)

Gene: BRCA1 (BRCA1 DNA repair associated; minus strand). Cytogenetic location: 17q21.31.
Variant type: single nucleotide variant.
Coding change: c.5324T>C on transcript NM_007294.4 (MANE Select); coding-DNA position 5324, T replaced by C.
Protein change: p.Met1775Thr; replaces methionine 1775 with threonine.
Molecular consequence: missense variant. On other transcripts: non-coding transcript variant (1).
Genome position (GRCh38, 1-based): chr17:43,051,071, A>G on the plus strand (T>C on the coding strand, the complement: BRCA1 is on the minus strand). VCF-style: chr17-43051071-A-G. GRCh37 (hg19) VCF-style: chr17-41203088-A-G.
Other names: c.5111T>C, p.Met1704Thr (NM_001407571.1, NM_001407896.1, NM_001407897.1 and 12 more transcripts); c.5390T>C, p.Met1797Thr (NM_001407581.1, NM_001407582.1); c.5387T>C, p.Met1796Thr (NM_001407583.1, NM_001407585.1, NM_001407587.1 and 1 more transcripts); c.5384T>C, p.Met1795Thr (NM_001407590.1, NM_001407591.1); c.5324T>C, p.Met1775Thr (NM_001407593.1, NM_001407594.1, NM_001407596.1 and 6 more transcripts); c.5321T>C, p.Met1774Thr (NM_001407610.1, NM_001407611.1, NM_001407612.1 and 17 more transcripts); c.5318T>C, p.Met1773Thr (NM_001407627.1, NM_001407628.1, NM_001407629.1 and 14 more transcripts); c.5315T>C, p.Met1772Thr (NM_001407644.1, NM_001407645.1); and 72 more; short protein forms M1728T, M1796T, M1775T, M671T, M1478T, M1606T, M1647T, M1663T.
Identifiers: ClinVar variation 825652 (VCV000825652.9), dbSNP rs41293463, ClinGen allele CA10590903.

ClinVar aggregate classification (germline): Conflicting classifications of pathogenicity. Review status: criteria provided, conflicting classifications (1 of 4 stars). 2 submissions from 2 submitters: Likely pathogenic (1); Uncertain significance (1). Last evaluated 2023-08-10.

Conditions:
Hereditary breast ovarian cancer syndrome. Also called: BRCA1- and BRCA2-Associated Hereditary Breast and Ovarian Cancer; Hereditary breast and ovarian cancer syndrome (HBOC); Hereditary breast and ovarian cancer syndrome; Breast and ovarian cancer; Hereditary breast and ovarian cancer; Hereditary breast and/or ovarian cancer syndrome. Identifiers: Orphanet 145, MedGen C0677776, MeSH D061325, MONDO:0003582. Disease mechanism: loss of function.
Hereditary cancer-predisposing syndrome. Also called: Hereditary Cancer Syndrome; Hereditary neoplastic syndrome; Neoplastic Syndromes, Hereditary; Tumor predisposition. Identifiers: Orphanet 140162, MedGen C0027672, MeSH D009386, MONDO:0015356.

Submissions (3):

Labcorp Genetics (formerly Invitae), Labcorp
Classification: Likely pathogenic for Hereditary breast ovarian cancer syndrome. Last evaluated: 2023-08-10. Review status: criteria provided, single submitter. Criteria: Invitae Variant Classification Sherloc (09022015). Collection method: clinical testing. Allele origin: germline.
Comment: This sequence change replaces methionine, which is neutral and non-polar, with threonine, which is neutral and polar, at codon 1775 of the BRCA1 protein (p.Met1775Thr). This variant is not present in population databases (gnomAD no frequency). This variant has not been reported in the literature in individuals affected with BRCA1-related conditions. ClinVar contains an entry for this variant (Variation ID: 825652). Advanced modeling of protein sequence and biophysical properties (such as structural, functional, and spatial information, amino acid conservation, physicochemical variation, residue mobility, and thermodynamic stability) performed at Invitae indicates that this missense variant is expected to disrupt BRCA1 protein function. This variant disrupts the p.Met1775 amino acid residue in BRCA1. Other variant(s) that disrupt this residue have been determined to be pathogenic (PMID: 7545954, 7939630, 12400015, 14534301, 19493677, 20516115, 22144684, 23161852). This suggests that this residue is clinically significant, and that variants that disrupt this residue are likely to be disease-causing. In summary, the currently available evidence indicates that the variant is pathogenic, but additional data are needed to prove that conclusively. Therefore, this variant has been classified as Likely Pathogenic.

Ambry Genetics
Classification: Uncertain significance for Hereditary cancer-predisposing syndrome. Last evaluated: 2019-05-08. Review status: criteria provided, single submitter. Criteria: Ambry General Variant Classification Scheme_2022. Collection method: clinical testing. Allele origin: germline. Observed: 1 variant allele.
Comment: The p.M1775T variant (also known as c.5324T>C), located in coding exon 19 of the BRCA1 gene, results from a T to C substitution at nucleotide position 5324. The methionine at codon 1775 is replaced by threonine, an amino acid with similar properties. One functional study found that this nucleotide substitution is tolerated in a high throughput genome editing haploid cell survival assay (Findlay GM et al. Nature, 2018 10;562:217-222). Another functional study testing the ability of BRCA1 fusion proteins to activate transcription in yeast found that transcriptional activity was not impaired (Monteiro AN et al. Proc. Natl. Acad. Sci. U.S.A., 1996 Nov;93:13595-9). However, a structural assessment predicted that this alteration may be destabilizing to the protein (Ambry internal data). This amino acid position is highly conserved in available vertebrate species. In addition, the in silico prediction for this alteration is inconclusive. Since supporting evidence is conflicting at this time, the clinical significance of this alteration remains unclear.

Brotman Baty Institute, University of Washington
No classification provided (evidence only). Condition: Breast-ovarian cancer, familial 1. Review status: no classification provided. Collection method: in vitro. Allele origin: not applicable. Functional consequence: functionally_normal. Not counted in ClinVar's aggregate classification.
ClinVar note: "not provided" was previously submitted as the classification for the variant. However, the classification appeared to be based only on an observation of functional data so it was converted to no classification on 2025-07-30.

Literature cited by the submitters: PubMed 7545954 (cited by Labcorp Genetics (formerly Invitae), Labcorp); PubMed 7939630 (cited by Labcorp Genetics (formerly Invitae), Labcorp); PubMed 12400015 (cited by Labcorp Genetics (formerly Invitae), Labcorp); PubMed 14534301 (cited by Labcorp Genetics (formerly Invitae), Labcorp); PubMed 19493677 (cited by Labcorp Genetics (formerly Invitae), Labcorp); PubMed 20516115 (cited by Labcorp Genetics (formerly Invitae), Labcorp); PubMed 22144684 (cited by Labcorp Genetics (formerly Invitae), Labcorp); PubMed 23161852 (cited by Labcorp Genetics (formerly Invitae), Labcorp); PubMed 30209399 (cited by Ambry Genetics); PubMed 8942979 (cited by Ambry Genetics).